The following is an entry in ClinVar:

NM_001037333.3(CYFIP2):c.3006C>T (p.Ala1002=)

Gene: CYFIP2 (cytoplasmic FMR1 interacting protein 2; plus strand). Cytogenetic location: 5q33.3.
Variant type: single nucleotide variant.
Coding change: c.3006C>T on transcript NM_001037333.3 (MANE Select); coding-DNA position 3006, C replaced by T.
Protein change: p.Ala1002=; no amino-acid change (alanine 1002 retained).
Molecular consequence: synonymous variant.
Genome position (GRCh38, 1-based): chr5:157,361,565, C>T. VCF-style: chr5-157361565-C-T. GRCh37 (hg19) VCF-style: chr5-156788573-C-T.
Other names: c.2928C>T, p.Ala976= (NM_001291721.2); c.3081C>T, p.Ala1027= (NM_001291722.2); c.3006C>T, p.Ala1002= (NM_014376.4).
Identifiers: ClinVar variation 1164415 (VCV001164415.12), dbSNP rs150652041, ClinGen allele CA3534182.
Genomic context (GRCh38, chr5:157,361,565, plus strand): 5'-CATTGAGTACGCAGAGCTCAAAACAGACGTGTTCCAGAGCCTGAGGGAAGTGGGCAATGC[C>T]ATCCTCTTCTGCCTCCTCATAGAGCAAGCTCTGGTAAGTCCAGAGCCCAAAGGAAGTGGG-3'
Protein context (NP_001032410.1, residues 992-1012): VFQSLREVGN[Ala1002=]ILFCLLIEQA

ClinVar aggregate classification (germline): Benign/Likely benign. Review status: criteria provided, multiple submitters, no conflicts (2 of 4 stars). 3 submissions from 3 submitters: Benign (1); Likely benign (2). Last evaluated 2026-04-01.

Allele frequency attached by ClinVar (database versions not stated): gnomAD exomes 0.00019 and 0.00042; ExAC 0.00055; ESP Exome Variant Server 0.00123; gnomAD 0.00151 and 0.00160; 1000 Genomes Project 0.00160; TOPMed 0.00180; 1000 Genomes Project 30x 0.00187.
gnomAD v4.1: 518 of 1,614,022 alleles (0.032%); highest among the groups gnomAD compares: African/African-American, 0.53%; 1 homozygote.

Submissions (3):

CeGaT Center for Human Genetics Tuebingen
Classification: Likely benign. Last evaluated: 2026-04-01. Review status: criteria provided, single submitter. Criteria: CeGaT Center For Human Genetics Tuebingen Variant Classification Criteria Version 2. Collection method: clinical testing. Allele origin: germline. Affected: yes. Observed: 1 variant allele.
Comment: CYFIP2: BP4, BS1

Labcorp Genetics (formerly Invitae), Labcorp
Classification: Benign. Last evaluated: 2026-01-18. Review status: criteria provided, single submitter. Criteria: Invitae Variant Classification Sherloc (09022015). Collection method: clinical testing. Allele origin: germline.

Blueprint Genetics
Classification: Likely benign. Last evaluated: 2024-09-02. Review status: criteria provided, single submitter. Criteria: ACMG Guidelines, 2015. Collection method: clinical testing. Allele origin: germline.